The following is an entry in ClinVar:

ClinVar aggregate classification (germline): Uncertain significance. Review status: criteria provided, multiple submitters, no conflicts (2 of 4 stars). 2 submissions from 2 submitters: Uncertain significance (2). Last evaluated 2025-05-03.

Conditions:
Inborn genetic diseases. Identifiers: MedGen C0950123, MeSH D030342.

Allele frequency attached by ClinVar (database versions not stated): gnomAD exomes below 0.00001; ExAC 0.00001; gnomAD 0.00001.
gnomAD v4.1: 8 of 1,613,994 alleles (0.0005%); highest among the groups gnomAD compares: South Asian, 0.0066%; no homozygotes.

Submissions (2):

Ambry Genetics
Classification: Uncertain significance for Inborn genetic diseases. Last evaluated: 2025-05-03. Review status: criteria provided, single submitter. Criteria: Ambry Variant Classification Scheme 2023. Collection method: clinical testing. Allele origin: germline.

Labcorp Genetics (formerly Invitae), Labcorp
Classification: Uncertain significance. Last evaluated: 2023-03-08. Review status: criteria provided, single submitter. Criteria: Invitae Variant Classification Sherloc (09022015). Collection method: clinical testing. Allele origin: germline.
Comment: This variant has not been reported in the literature in individuals affected with CDH2-related conditions. An algorithm developed to predict the effect of missense changes on protein structure and function (PolyPhen-2) suggests that this variant is likely to be disruptive. In summary, the available evidence is currently insufficient to determine the role of this variant in disease. Therefore, it has been classified as a Variant of Uncertain Significance. This variant is present in population databases (rs202058357, gnomAD 0.003%). This sequence change replaces arginine, which is basic and polar, with serine, which is neutral and polar, at codon 421 of the CDH2 protein (p.Arg421Ser).

NM_001792.5(CDH2):c.1263A>T (p.Arg421Ser)

Gene: CDH2 (cadherin 2; minus strand). Cytogenetic location: 18q12.1.
Variant type: single nucleotide variant.
Coding change: c.1263A>T on transcript NM_001792.5 (MANE Select); coding-DNA position 1263, A replaced by T.
Protein change: p.Arg421Ser; replaces arginine 421 with serine.
Molecular consequence: missense variant.
Genome position (GRCh38, 1-based): chr18:27,992,736, T>A on the plus strand (A>T on the coding strand, the complement: CDH2 is on the minus strand). VCF-style: chr18-27992736-T-A. GRCh37 (hg19) VCF-style: chr18-25572700-T-A.
Other names: c.1263A>T (NM_001792.3); c.1170A>T, p.Arg390Ser (NM_001308176.2); short protein forms R421S, R390S.
Identifiers: ClinVar variation 2996453 (VCV002996453.4), dbSNP rs202058357, ClinGen allele CA8923469.